The following is an entry in ClinVar:

ClinVar aggregate classification (germline): Uncertain significance. Review status: criteria provided, multiple submitters, no conflicts (2 of 4 stars). 2 submissions from 2 submitters: Uncertain significance (2). Last evaluated 2025-11-13.

Conditions:
Primary ciliary dyskinesia. Also called: Ciliary dyskinesia. Identifiers: Orphanet 244, MedGen C0008780, MONDO:0016575, HP:0012265.

Allele frequency attached by ClinVar (database versions not stated): TOPMed 0.00001; gnomAD 0.00003; gnomAD exomes 0.00003 and 0.00004; ExAC 0.00004; 1000 Genomes Project 30x 0.00031; 1000 Genomes Project 0.00040.
gnomAD v4.1: 45 of 1,608,366 alleles (0.0028%); highest among the groups gnomAD compares: South Asian, 0.012%; no homozygotes.

Submissions (2):

Labcorp Genetics (formerly Invitae), Labcorp
Classification: Uncertain significance for Primary ciliary dyskinesia. Last evaluated: 2025-11-13. Review status: criteria provided, single submitter. Criteria: Invitae Variant Classification Sherloc (09022015). Collection method: clinical testing. Allele origin: germline.
Comment: This sequence change replaces arginine, which is basic and polar, with cysteine, which is neutral and slightly polar, at codon 3249 of the DNAH8 protein (p.Arg3249Cys). This variant is present in population databases (rs557128576, gnomAD 0.01%). This variant has not been reported in the literature in individuals affected with DNAH8-related conditions. ClinVar contains an entry for this variant (Variation ID: 1404929). Invitae Evidence Modeling of protein sequence and biophysical properties (such as structural, functional, and spatial information, amino acid conservation, physicochemical variation, residue mobility, and thermodynamic stability) indicates that this missense variant is expected to disrupt DNAH8 protein function with a positive predictive value of 80%. In summary, the available evidence is currently insufficient to determine the role of this variant in disease. Therefore, it has been classified as a Variant of Uncertain Significance.

Ambry Genetics
Classification: Uncertain significance. Last evaluated: 2025-06-22. Review status: criteria provided, single submitter. Criteria: Ambry Variant Classification Scheme 2023. Collection method: clinical testing. Allele origin: germline.

NM_001206927.2(DNAH8):c.9745C>T (p.Arg3249Cys)

Genes: DNAH8 (dynein axonemal heavy chain 8; plus strand), DNAH8-AS1 (DNAH8 antisense RNA 1; minus strand). Cytogenetic location: 6p21.2.
Variant type: single nucleotide variant.
Coding change: c.9745C>T on transcript NM_001206927.2 (MANE Select); coding-DNA position 9745, C replaced by T.
Protein change: p.Arg3249Cys; replaces arginine 3249 with cysteine.
Molecular consequence: missense variant.
Genome position (GRCh38, 1-based): chr6:38,911,472, C>T. VCF-style: chr6-38911472-C-T. GRCh37 (hg19) VCF-style: chr6-38879248-C-T.
Other names: c.9094C>T, p.Arg3032Cys (NM_001371.4); c.9745C>T (NM_001206927.1); short protein forms R3032C, R3249C.
Identifiers: ClinVar variation 1404929 (VCV001404929.8), dbSNP rs557128576, ClinGen allele CA3790562.